The following is an entry in ClinVar:

ClinVar aggregate classification (germline): Uncertain significance. Review status: criteria provided, multiple submitters, no conflicts (2 of 4 stars). 3 submissions from 3 submitters: Uncertain significance (3). Last evaluated 2022-12-31.

Conditions:
Familial adenomatous polyposis 1 (FAP1). Also called: POLYPOSIS, ADENOMATOUS INTESTINAL; FAMILIAL ADENOMATOUS POLYPOSIS 1, ATTENUATED. Identifiers: MedGen C2713442, MONDO:0021056, OMIM 175100. Disease mechanism: loss of function.
Hereditary cancer-predisposing syndrome. Also called: Hereditary Cancer Syndrome; Neoplastic Syndromes, Hereditary; Tumor predisposition; Hereditary neoplastic syndrome. Identifiers: Orphanet 140162, MedGen C0027672, MeSH D009386, MONDO:0015356.

Submissions (3):

Labcorp Genetics (formerly Invitae), Labcorp
Classification: Uncertain significance for Familial adenomatous polyposis 1. Last evaluated: 2022-12-31. Review status: criteria provided, single submitter. Criteria: Invitae Variant Classification Sherloc (09022015). Collection method: clinical testing. Allele origin: germline.
Comment: This variant has not been reported in the literature in individuals affected with APC-related conditions. In summary, the available evidence is currently insufficient to determine the role of this variant in disease. Therefore, it has been classified as a Variant of Uncertain Significance. Advanced modeling of protein sequence and biophysical properties (such as structural, functional, and spatial information, amino acid conservation, physicochemical variation, residue mobility, and thermodynamic stability) performed at Invitae indicates that this missense variant is not expected to disrupt APC protein function. ClinVar contains an entry for this variant (Variation ID: 489427). This variant is not present in population databases (gnomAD no frequency). This sequence change replaces glutamic acid, which is acidic and polar, with lysine, which is basic and polar, at codon 855 of the APC protein (p.Glu855Lys).

Ambry Genetics
Classification: Uncertain significance for Hereditary cancer-predisposing syndrome. Last evaluated: 2020-06-24. Review status: criteria provided, single submitter. Criteria: Ambry Variant Classification Scheme 2023. Collection method: clinical testing. Allele origin: germline.
Comment: The p.E855K variant (also known as c.2563G>A), located in coding exon 15 of the APC gene, results from a G to A substitution at nucleotide position 2563. The glutamic acid at codon 855 is replaced by lysine, an amino acid with similar properties. This amino acid position is highly conserved through mammals but not in all available vertebrate species. In addition, in silico predictors for this gene do not accurately predict pathogenicity. Since supporting evidence is limited at this time, the clinical significance of this alteration remains unclear.

Color Diagnostics, LLC DBA Color Health
Classification: Uncertain significance for Hereditary cancer-predisposing syndrome. Last evaluated: 2019-02-17. Review status: criteria provided, single submitter. Criteria: ACMG Guidelines, 2015. Collection method: clinical testing. Allele origin: germline.

NM_000038.6(APC):c.2563G>A (p.Glu855Lys)

Gene: APC (APC regulator of Wnt signaling pathway; plus strand). Cytogenetic location: 5q22.2.
Variant type: single nucleotide variant.
Coding change: c.2563G>A on transcript NM_000038.6 (MANE Select); coding-DNA position 2563, G replaced by A.
Protein change: p.Glu855Lys; replaces glutamic acid 855 with lysine.
Molecular consequence: missense variant.
Genome position (GRCh38, 1-based): chr5:112,838,157, G>A. VCF-style: chr5-112838157-G-A. GRCh37 (hg19) VCF-style: chr5-112173854-G-A.
Other names: c.2593G>A, p.Glu865Lys (NM_001354897.2); c.2488G>A, p.Glu830Lys (NM_001354898.2); c.2479G>A, p.Glu827Lys (NM_001354899.2); c.2440G>A, p.Glu814Lys (NM_001354900.2); c.2386G>A, p.Glu796Lys (NM_001354901.2); c.2290G>A, p.Glu764Lys (NM_001354902.2); c.2260G>A, p.Glu754Lys (NM_001354903.2); c.2185G>A, p.Glu729Lys (NM_001354904.2); and 5 more; short protein forms E837K, E855K, E572K, E754K, E796K, E814K, E695K, E729K.
Identifiers: ClinVar variation 489427 (VCV000489427.16), dbSNP rs1320581229, ClinGen allele CA16026949.